The following continues an entry in ClinVar:

NM_000463.3(UGT1A1):c.674T>G (p.Val225Gly)

ClinVar aggregate classification (germline): Conflicting classifications of pathogenicity; other. Pathogenic (2); Likely pathogenic (8); Uncertain significance (9).

Submissions 9 to 23 of 23:

Dasa
Classification: Likely pathogenic. Last evaluated: 2025-01-04. Review status: criteria provided, single submitter. Criteria: DASA Assertion Criteria. Collection method: clinical testing. Allele origin: germline.
Comment: NM_000463.3(UGT1A1):c.674T>G (p.Val225Gly) is a missense variant that results in the substitution of valine with glycine. This variant has been reported in individuals with UGT1A1-related disorders (PMID: 11182932). Functional evidence supports an impact on the gene or gene product. Also, this variant is rare in population databases. Based on the currently available evidence, this variant is classified as likely pathogenic.

Women's Health and Genetics/Laboratory Corporation of America, LabCorp
Classification: Uncertain significance. Last evaluated: 2025-01-02. Review status: criteria provided, single submitter. Criteria: LabCorp Variant Classification Summary - May 2015. Collection method: clinical testing. Allele origin: germline.
Comment: Variant summary: UGT1A1 c.674T>G (p.Val225Gly), also reported as V224G, results in a non-conservative amino acid change located in the UDP-glucuronosyl/UDP-glucosyltransferase domain (IPR002213) of the encoded protein sequence. Four of five in-silico tools predict a benign effect of the variant on protein function. The variant allele was found at a frequency of 0.00049 in 1614200 control chromosomes, predominantly at a frequency of 0.0025 within the South Asian subpopulation in the gnomAD database, including 3 homozygotes. The observed variant frequency within South Asian control individuals in the gnomAD database is approximately equal to the universal maximal expected allele frequency (MPAF) for a recessive pathogenic variant in any gene, however multiple high frequency variants in the UGT1A1 gene have been classified as pathogenic and our laboratory has not yet established an MPAF specific for UGT1A1. c.674T>G has been reported in the literature in the presumed or confirmed compound heterozygous or complex/multiply heterozygous state in multiple individuals affected with UGT1A1-Related Disorders (e.g., Huang_2006, Iolascon_2000, Maruo_2015, Minucci_2012, Servedio_2005, Kadakol_2000, Rodrigues_2012, Perretti_2007). These data indicate that the variant is possibly associated with disease, however none of the individuals had the severe Crigler-Najjar type I presentation and all except one (Rodrigues_2012) individual had additional variants which could explain the phenotype (e.g. promoter TA(7) expansion, a common pathogenic variant). At least one publication reports experimental evidence evaluating an impact on protein function (e.g., Maruo_2015). The most pronounced variant effect resulted in approximately 60% normal activity for bilirubin glucuronidation compared to the wild type enzyme, however the wild type control had at least 1 replicate with results overlapping the variant enzyme activity result(s), suggesting that the difference may not be statistically significant. The following publications have been ascertained in the context of this evaluation (PMID: 17098698, 11182932, 26697581, 22633750, 15712364, 11013440, 18058623, 22325916). ClinVar contains an entry for this variant (Variation ID: 160239). Based on the evidence outlined above, the variant was classified as uncertain significance.

Blueprint Genetics
Classification: Likely pathogenic for UGT1A1-related disorders. Last evaluated: 2024-11-19. Review status: criteria provided, single submitter. Criteria: ACMG Guidelines, 2015. Collection method: clinical testing. Allele origin: de novo. Affected: yes. Observed: 5 variant alleles.

Revvity Omics, Revvity
Classification: Uncertain significance. Last evaluated: 2024-10-03. Review status: criteria provided, single submitter. Criteria: ACMG Guidelines, 2015. Collection method: clinical testing. Allele origin: germline.

Genomic Medicine Center of Excellence, King Faisal Specialist Hospital and Research Centre
Classification: Uncertain significance for Gilbert syndrome. Last evaluated: 2024-03-25. Review status: criteria provided, single submitter. Criteria: ACMG Guidelines, 2015. Collection method: clinical testing. Allele origin: germline.

Department of Pathology and Laboratory Medicine, Sinai Health System
Classification: Uncertain significance for Gilbert syndrome; Crigler-Najjar syndrome type 1; Lucey-Driscoll syndrome; Crigler-Najjar syndrome, type II. Last evaluated: 2023-10-31. Review status: criteria provided, single submitter. Criteria: ACMG Guidelines, 2015. Collection method: research. Allele origin: germline.

Mayo Clinic Laboratories, Mayo Clinic
Classification: Likely pathogenic. Last evaluated: 2023-02-24. Review status: criteria provided, single submitter. Criteria: ACMG Guidelines, 2015. Collection method: clinical testing. Allele origin: germline. Observed: 4 variant alleles.
Comment: PM2, PM3, PS3

Eurofins Ntd Llc (ga)
Classification: other. Last evaluated: 2018-02-09. Review status: criteria provided, single submitter. Criteria: EGL ClinVar v180209 classification definitions. Collection method: clinical testing. Allele origin: germline. Observed: 7 variant alleles, 7 heterozygotes.

Illumina Laboratory Services, Illumina
Classification: Likely pathogenic for Crigler-Najjar syndrome. Last evaluated: 2017-04-27. Review status: criteria provided, single submitter. Criteria: ICSL Variant Classification Criteria 09 May 2019. Collection method: clinical testing. Allele origin: germline.
Comment: The UGT1A1 c.674T>G (p.Val225Gly) variant is reported in a total of six individuals with Crigler-Najjar syndrome, including five compound heterozygotes and one heterozygote in whom a second variant was not identified (Iolascon et al. 2000; Servedio et al. 2005; Maruo et al. 2015). The variant was also found in one unaffected heterozygous parent of an affected individual. The p.Val225Gly variant was absent from 150 total controls but is reported at a frequency of 0.00212 in the South Asian population of the Exome Aggregation Consortium. Enzyme activity of the p.Val225Gly variant protein was found to be 61% as compared to wild type (Maruo et al. 2015). Based on the evidence, the p.Val225Gly variant is classified as likely pathogenic for Crigler-Najjar syndrome. This variant was observed by ICSL as part of a predisposition screen in an ostensibly healthy population.

Illumina Laboratory Services, Illumina
Classification: Uncertain significance for Lucey-Driscoll syndrome. Last evaluated: 2017-04-27. Review status: criteria provided, single submitter. Criteria: ICSL Variant Classification Criteria 13 December 2019. Collection method: clinical testing. Allele origin: germline.
Comment: This variant was observed as part of a predisposition screen in an ostensibly healthy population. A literature search was performed for the gene, cDNA change, and amino acid change (where applicable). Publications were found based on this search. However, the evidence from the literature, in combination with allele frequency data from public databases where available, was not sufficient to rule this variant in or out of causing disease. Therefore, this variant is classified as a variant of unknown significance.

Illumina Laboratory Services, Illumina
Classification: Uncertain significance for Gilbert syndrome. Last evaluated: 2017-04-27. Review status: criteria provided, single submitter. Criteria: ICSL Variant Classification Criteria 13 December 2019. Collection method: clinical testing. Allele origin: germline.
Comment: the same text as in the submission from Illumina Laboratory Services, Illumina above.

Genetic Services Laboratory, University of Chicago
Classification: Uncertain significance for Hyperbilirubinemia. Last evaluated: 2013-03-04. Review status: criteria provided, single submitter. Criteria: ACMG Guidelines, 2007. Collection method: clinical testing. Allele origin: germline. Inheritance: Autosomal recessive inheritance.

Baylor Genetics
Classification: Uncertain significance for Crigler-Najjar syndrome type 1. Last evaluated: 2022-03-28. Review status: no assertion criteria provided. Collection method: clinical testing. Allele origin: unknown. Not counted in ClinVar's aggregate classification.

Clinical Genetics DNA and cytogenetics Diagnostics Lab, Erasmus MC, Erasmus Medical Center
Classification: Pathogenic. Review status: no assertion criteria provided. Collection method: clinical testing. Allele origin: germline. Affected: yes. Study: VKGL Data-share Consensus. Not counted in ClinVar's aggregate classification.

Joint Genome Diagnostic Labs from Nijmegen and Maastricht, Radboudumc and MUMC+
Classification: Likely pathogenic. Review status: no assertion criteria provided. Collection method: clinical testing. Allele origin: germline. Affected: yes. Study: VKGL Data-share Consensus. Not counted in ClinVar's aggregate classification.

Literature cited by the submitters: PubMed 11182932 (cited by 9 submitters); PubMed 15712364 (cited by 6 submitters); PubMed 26697581 (cited by 8 submitters); PubMed 22325916 (cited by 5 submitters); PubMed 11013440 (cited by Women's Health and Genetics/Laboratory Corporation of America, LabCorp); PubMed 18058623 (cited by Women's Health and Genetics/Laboratory Corporation of America, LabCorp); PubMed 17098698 (cited by Women's Health and Genetics/Laboratory Corporation of America, LabCorp); PubMed 22633750 (cited by Women's Health and Genetics/Laboratory Corporation of America, LabCorp); PubMed 16269258 (cited by Mayo Clinic Laboratories, Mayo Clinic and Illumina Laboratory Services, Illumina); PubMed 23290513 (cited by Mayo Clinic Laboratories, Mayo Clinic and Illumina Laboratory Services, Illumina); PubMed 26716871 (cited by Mayo Clinic Laboratories, Mayo Clinic and Illumina Laboratory Services, Illumina); PubMed 26039129 (cited by Illumina Laboratory Services, Illumina); PubMed 23875061 (cited by Baylor Genetics).